The following is an entry in ClinVar:

ClinVar aggregate classification (germline): Uncertain significance (1 of 4 stars; one submission).

Conditions:
Congenital muscular dystrophy due to integrin alpha-7 deficiency. Also called: Congenital muscular dystrophy with integrin alpha-7 deficiency; Muscular dystrophy, congenital, due to ITGA7 deficiency; MYOPATHY, CONGENITAL, DUE TO INTEGRIN ALPHA-7 DEFICIENCY. Identifiers: Orphanet 34520, MedGen C2750786, MONDO:0013177, OMIM 613204.

Allele frequency attached by ClinVar (database versions not stated): ExAC 0.00001; gnomAD 0.00001; gnomAD exomes 0.00001; TOPMed 0.00001.
gnomAD v4.1: 5 of 1,613,670 alleles (0.00031%); highest among the groups gnomAD compares: Non-Finnish European, 0.00042%; no homozygotes.

Submission:

Labcorp Genetics (formerly Invitae), Labcorp
Classification: Uncertain significance for Congenital muscular dystrophy due to integrin alpha-7 deficiency. Last evaluated: 2022-04-28. Review status: criteria provided, single submitter. Criteria: Invitae Variant Classification Sherloc (09022015). Collection method: clinical testing. Allele origin: germline.
Comment: In summary, the available evidence is currently insufficient to determine the role of this variant in disease. Therefore, it has been classified as a Variant of Uncertain Significance. Algorithms developed to predict the effect of missense changes on protein structure and function output the following: SIFT: "Tolerated"; PolyPhen-2: "Benign"; Align-GVGD: "Class C0". The alanine amino acid residue is found in multiple mammalian species, which suggests that this missense change does not adversely affect protein function. This variant has not been reported in the literature in individuals affected with ITGA7-related conditions. The frequency data for this variant in the population databases is considered unreliable, as metrics indicate poor data quality at this position in the gnomAD database. This sequence change replaces valine, which is neutral and non-polar, with alanine, which is neutral and non-polar, at codon 906 of the ITGA7 protein (p.Val906Ala).

NM_002206.3(ITGA7):c.2717T>C (p.Val906Ala)

Gene: ITGA7 (integrin subunit alpha 7; minus strand). Cytogenetic location: 12q13.2.
Variant type: single nucleotide variant.
Coding change: c.2717T>C on transcript NM_002206.3 (MANE Select); coding-DNA position 2717, T replaced by C.
Protein change: p.Val906Ala; replaces valine 906 with alanine.
Molecular consequence: missense variant.
Genome position (GRCh38, 1-based): chr12:55,692,971, A>G on the plus strand (T>C on the coding strand, the complement: ITGA7 is on the minus strand). VCF-style: chr12-55692971-A-G. GRCh37 (hg19) VCF-style: chr12-56086755-A-G.
Other names: c.2729T>C, p.Val910Ala (NM_001144996.2); c.2438T>C, p.Val813Ala (NM_001144997.2); c.2390T>C, p.Val797Ala (NM_001367993.1); c.1373T>C, p.Val458Ala (NM_001367994.1); c.2699T>C, p.Val900Ala (NM_001374465.1); c.2849T>C, p.Val950Ala (NM_001410977.1); c.2711T>C, p.Val904Ala (NM_001414029.1); c.2642T>C, p.Val881Ala (NM_001414030.1); and 5 more; short protein forms V458A, V845A, V866A, V904A, V906A, V797A, V881A, V793A.
Identifiers: ClinVar variation 2140615 (VCV002140615.4), dbSNP rs747003543, ClinGen allele CA6615481.
Genomic context (GRCh38, chr12:55,692,971, plus strand): 5'-TCACCAGGCTCCTGCTGCTCAGGTGGCTCCAGCTCCCGCCGCCTCCTATCCCTACTGTCC[A>G]CATCCTGGACACGGAAGGGGGGTCTTAGTGAGTGTCCCTCCAATCACAGCAGTGCTAAGA-3'
Protein context (NP_002197.2, residues 896-916): SPRPNILHLD[Val906Ala]DSRDRRRREL